The following is an entry in ClinVar:

ClinVar aggregate classification (germline): Uncertain significance. Review status: criteria provided, multiple submitters, no conflicts (2 of 4 stars). 6 submissions from 6 submitters: Uncertain significance (5). 1 of the submissions does not count toward it. Last evaluated 2025-08-21.

Conditions:
Inborn genetic diseases. Identifiers: MedGen C0950123, MeSH D030342.
Glucose-6-phosphate transport defect (GSD1B). Also called: Glycogen Storage Disease Type Ib; GSD Ib. Identifiers: Orphanet 364, Orphanet 79259, MedGen C0268146, MONDO:0009288, OMIM 232220.
Phosphate transport defect (GSD1C). Also called: GSD Ic; GLYCOGEN STORAGE DISEASE Ic. Identifiers: Orphanet 364, Orphanet 79259, MedGen C0342749, OMIM 232240.
Congenital disorder of glycosylation, type IIw. Identifiers: MedGen C5561986, MONDO:0030437, OMIM 619525.

Allele frequency attached by ClinVar (database versions not stated): ExAC 0.00003; gnomAD exomes 0.00003 and 0.00012; TOPMed 0.00026; gnomAD 0.00036 and 0.00039.

Submissions (6):

Ambry Genetics
Classification: Uncertain significance for Inborn genetic diseases. Last evaluated: 2025-08-21. Review status: criteria provided, single submitter. Criteria: Ambry Variant Classification Scheme 2023. Collection method: clinical testing. Allele origin: germline.

Mayo Clinic Laboratories, Mayo Clinic
Classification: Uncertain significance. Last evaluated: 2025-03-04. Review status: criteria provided, single submitter. Criteria: ACMG Guidelines, 2015. Collection method: clinical testing. Allele origin: germline. Observed: 1 variant allele.

Labcorp Genetics (formerly Invitae), Labcorp
Classification: Uncertain significance for Glucose-6-phosphate transport defect. Last evaluated: 2024-10-27. Review status: criteria provided, single submitter. Criteria: Invitae Variant Classification Sherloc (09022015). Collection method: clinical testing. Allele origin: germline.
Comment: This sequence change replaces valine, which is neutral and non-polar, with isoleucine, which is neutral and non-polar, at codon 34 of the SLC37A4 protein (p.Val34Ile). This variant is present in population databases (rs782644732, gnomAD 0.08%). This variant has not been reported in the literature in individuals affected with SLC37A4-related conditions. ClinVar contains an entry for this variant (Variation ID: 965218). Invitae Evidence Modeling of protein sequence and biophysical properties (such as structural, functional, and spatial information, amino acid conservation, physicochemical variation, residue mobility, and thermodynamic stability) indicates that this missense variant is not expected to disrupt SLC37A4 protein function with a negative predictive value of 80%. In summary, the available evidence is currently insufficient to determine the role of this variant in disease. Therefore, it has been classified as a Variant of Uncertain Significance.

Fulgent Genetics
Classification: Uncertain significance for Glucose-6-phosphate transport defect; Phosphate transport defect; Congenital disorder of glycosylation, type IIw. Last evaluated: 2022-05-05. Review status: criteria provided, single submitter. Criteria: ACMG Guidelines, 2015. Collection method: clinical testing. Allele origin: unknown.

Baylor Genetics
Classification: Uncertain significance for Glucose-6-phosphate transport defect. Last evaluated: 2020-05-05. Review status: criteria provided, single submitter. Criteria: ACMG Guidelines, 2015. Collection method: clinical testing. Allele origin: unknown. Affected: yes.
Comment: This variant was determined to be of uncertain significance according to ACMG Guidelines, 2015 [PMID:25741868].

Natera, Inc.
Classification: Uncertain significance for Glycogen storage disease type Ib. Last evaluated: 2020-01-24. Review status: no assertion criteria provided. Collection method: clinical testing. Allele origin: germline. Not counted in ClinVar's aggregate classification.

NM_001164277.2(SLC37A4):c.100G>A (p.Val34Ile)

Gene: SLC37A4 (solute carrier family 37 member 4; minus strand). Cytogenetic location: 11q23.3.
Variant type: single nucleotide variant.
Coding change: c.100G>A on transcript NM_001164277.2 (MANE Select); coding-DNA position 100, G replaced by A.
Protein change: p.Val34Ile; replaces valine 34 with isoleucine.
Molecular consequence: missense variant. On other transcripts: intron variant (1).
Genome position (GRCh38, 1-based): chr11:119,029,270, C>T on the plus strand (G>A on the coding strand, the complement: SLC37A4 is on the minus strand). VCF-style: chr11-119029270-C-T. GRCh37 (hg19) VCF-style: chr11-118899980-C-T.
Other names: p.Val34Ile; c.100G>A, p.Val34Ile (NM_001164278.2, NM_001164280.2, NM_001467.6); c.-172+122G>A (NM_001164279.2); short protein forms V34I.
Identifiers: ClinVar variation 965218 (VCV000965218.12), dbSNP rs782644732, ClinGen allele CA6311914.